The following is an entry in ClinVar:

NM_000489.6(ATRX):c.4845C>A (p.Asp1615Glu)

Gene: ATRX (ATRX chromatin remodeler; minus strand). Cytogenetic location: Xq21.1.
Variant type: single nucleotide variant.
Coding change: c.4845C>A on transcript NM_000489.6 (MANE Select); coding-DNA position 4845, C replaced by A.
Protein change: p.Asp1615Glu; replaces aspartic acid 1615 with glutamic acid.
Molecular consequence: missense variant.
Genome position (GRCh38, 1-based): chrX:77,633,677, G>T on the plus strand (C>A on the coding strand, the complement: ATRX is on the minus strand). VCF-style: chrX-77633677-G-T. GRCh37 (hg19) VCF-style: chrX-76889165-G-T.
Other names: c.4731C>A, p.Asp1577Glu (NM_138270.5); short protein forms D1577E, D1615E.
Identifiers: ClinVar variation 2633036 (VCV002633036.1), dbSNP rs2148343613, ClinGen allele CA413704678.
Genomic context (GRCh38, chrX:77,633,677, plus strand): 5'-CATCCAATTCAAAGCAGTATTAAGAGGACAAACCACTAACGCCGTGCTGAAATCCAGTTT[G>T]TCACACAAAAGAACTGTATGAAGAAAACTTACCACCTATAAGAAAACAGATTGTCACCTT-3'
Protein context (NP_000480.3, residues 1605-1625): VSFLHTVLLC[Asp1615Glu]KLDFSTALVV

ClinVar aggregate classification (germline): Likely pathogenic (1 of 4 stars; one submission).

Conditions:
ATRX-related disorder. Also called: ATRX-related condition.

Submission:

PreventionGenetics, part of Exact Sciences
Classification: Likely pathogenic for ATRX-related condition. Last evaluated: 2023-04-18. Review status: criteria provided, single submitter. Criteria: ACMG Guidelines, 2015. Collection method: clinical testing. Allele origin: germline.
Comment: The ATRX c.4845C>A variant is predicted to result in the amino acid substitution p.Asp1615Glu. To our knowledge, this variant has not been reported in the literature or in a large population database, indicating this variant is rare. This variant is interpreted as likely pathogenic.